The following is an entry in ClinVar:

NM_031407.7(HUWE1):c.6097+6G>C

Gene: HUWE1 (HECT, UBA and WWE domain containing E3 ubiquitin protein ligase 1; minus strand). Cytogenetic location: Xp11.22.
Variant type: single nucleotide variant.
Coding change: c.6097+6G>C on transcript NM_031407.7 (MANE Select); 6 bases into the intron after coding-DNA position 6097, G replaced by C.
Molecular consequence: intron variant.
Genome position (GRCh38, 1-based): chrX:53,575,149, C>G on the plus strand (G>C on the coding strand, the complement: HUWE1 is on the minus strand). VCF-style: chrX-53575149-C-G. GRCh37 (hg19) VCF-style: chrX-53602109-C-G.
Identifiers: ClinVar variation 3251102 (VCV003251102.18), dbSNP rs782113766.
Genomic context (GRCh38, chrX:53,575,149, plus strand): 5'-CTACAGTTTTTTCAAGTTGTTTTCCTAAGGAATAAGAACATGGTAGTGAGAAAAGCAAAT[C>G]ATTACCCTCTCCTTGGGAGGTCCCAGATGCGGAAGTCTCAGTGGAGGCACCATCTGCAGC-3'

ClinVar aggregate classification (germline): Uncertain significance (1 of 4 stars; one submission).

Submission:

CeGaT Center for Human Genetics Tuebingen
Classification: Uncertain significance. Last evaluated: 2024-06-01. Review status: criteria provided, single submitter. Criteria: CeGaT Center For Human Genetics Tuebingen Variant Classification Criteria Version 2. Collection method: clinical testing. Allele origin: germline. Affected: yes. Observed: 1 variant allele.
Comment: HUWE1: PM2, BP4